The following is an entry in ClinVar:

ClinVar aggregate classification (germline): Benign. Review status: criteria provided, multiple submitters, no conflicts (2 of 4 stars). 2 submissions from 2 submitters: Benign (2). Last evaluated 2018-06-15.

Allele frequency attached by ClinVar (database versions not stated): 1000 Genomes Project 30x 0.96658; TOPMed 0.96678; 1000 Genomes Project 0.96925; gnomAD 0.96928 and 0.97139; gnomAD exomes 0.99670.
gnomAD v4.1: 813,395 of 820,094 alleles (99%); highest among the groups gnomAD compares: East Asian, 100%; 403,623 homozygotes.

Submissions (2):

GeneDx
Classification: Benign. Last evaluated: 2018-06-15. Review status: criteria provided, single submitter. Criteria: GeneDx Variant Classification (06012015). Collection method: clinical testing. Allele origin: germline. Affected: yes.
Comment: This variant is considered likely benign or benign based on one or more of the following criteria: it is a conservative change, it occurs at a poorly conserved position in the protein, it is predicted to be benign by multiple in silico algorithms, and/or has population frequency not consistent with disease.

Breakthrough Genomics
Classification: Benign. Review status: criteria provided, single submitter. Criteria: ACMG Guidelines, 2015. Collection method: not provided. Allele origin: germline. Inheritance: Autosomal dominant inheritance. Affected: yes.

NM_001035.3(RYR2):c.9368-75C>T

Gene: RYR2 (ryanodine receptor 2; plus strand). Cytogenetic location: 1q43.
Variant type: single nucleotide variant.
Coding change: c.9368-75C>T on transcript NM_001035.3 (MANE Select); 75 bases into the intron before coding-DNA position 9368, C replaced by T.
Molecular consequence: intron variant.
Genome position (GRCh38, 1-based): chr1:237,701,903, C>T. VCF-style: chr1-237701903-C-T. GRCh37 (hg19) VCF-style: chr1-237865203-C-T.
Identifiers: ClinVar variation 671778 (VCV000671778.2), dbSNP rs939699, ClinGen allele CA39787702.